The following is an entry in ClinVar:

ClinVar aggregate classification (germline): Conflicting classifications of pathogenicity. Review status: criteria provided, conflicting classifications (1 of 4 stars). 3 submissions from 2 submitters: Uncertain significance (2); Likely benign (1). Last evaluated 2025-01-14.

Conditions:
Spherocytosis. Identifiers: MedGen C0553720, HP:0004444.
Hereditary spherocytosis type 1. Also called: Spherocytosis type 1; ANK1-Related Spherocytosis. Identifiers: Orphanet 822, MedGen C2674218, MONDO:0008447, OMIM 182900.

Allele frequency attached by ClinVar (database versions not stated): gnomAD 0.00005; TOPMed 0.00005; ExAC 0.00006; gnomAD exomes 0.00006; ESP Exome Variant Server 0.00008.
gnomAD v4.1: 73 of 1,613,984 alleles (0.0045%); highest among the groups gnomAD compares: Non-Finnish European, 0.00042%; no homozygotes.

Submissions (3):

Mayo Clinic Laboratories, Mayo Clinic
Classification: Likely benign. Last evaluated: 2025-01-14. Review status: criteria provided, single submitter. Criteria: ACMG Guidelines, 2015. Collection method: clinical testing. Allele origin: germline. Observed: 1 variant allele.
Comment: BP4, BP7

Illumina Laboratory Services, Illumina
Classification: Uncertain significance for Spherocytosis. Last evaluated: 2018-01-13. Review status: criteria provided, single submitter. Criteria: ICSL Variant Classification Criteria 13 December 2019. Collection method: clinical testing. Allele origin: germline.

Illumina Laboratory Services, Illumina
Classification: Uncertain significance for Hereditary spherocytosis type 1. Last evaluated: 2018-01-13. Review status: criteria provided, single submitter. Criteria: ICSL Variant Classification Criteria 13 December 2019. Collection method: clinical testing. Allele origin: germline.

NM_000037.4(ANK1):c.1521G>A (p.Leu507=)

Gene: ANK1 (ankyrin 1; minus strand). Cytogenetic location: 8p11.21.
Variant type: single nucleotide variant.
Coding change: c.1521G>A on transcript NM_000037.4 (MANE Select); coding-DNA position 1521, G replaced by A.
Protein change: p.Leu507=; no amino-acid change (leucine 507 retained).
Molecular consequence: synonymous variant.
Genome position (GRCh38, 1-based): chr8:41,715,733, C>T on the plus strand (G>A on the coding strand, the complement: ANK1 is on the minus strand). VCF-style: chr8-41715733-C-T. GRCh37 (hg19) VCF-style: chr8-41573251-C-T.
Other names: p.Leu507=; c.1620G>A, p.Leu540= (NM_001142446.2); c.1521G>A, p.Leu507= (NM_020475.3, NM_020476.3, NM_020477.3).
Identifiers: ClinVar variation 908160 (VCV000908160.5), dbSNP rs374623408, ClinGen allele CA4728588.